The following is an entry in ClinVar:

NM_001009944.3(PKD1):c.6421G>T (p.Val2141Phe)

Gene: PKD1 (polycystin 1, transient receptor potential channel interacting; minus strand). Cytogenetic location: 16p13.3.
Variant type: single nucleotide variant.
Coding change: c.6421G>T on transcript NM_001009944.3 (MANE Select); coding-DNA position 6421, G replaced by T.
Protein change: p.Val2141Phe; replaces valine 2141 with phenylalanine.
Molecular consequence: missense variant.
Genome position (GRCh38, 1-based): chr16:2,108,746, C>A on the plus strand (G>T on the coding strand, the complement: PKD1 is on the minus strand). VCF-style: chr16-2108746-C-A. GRCh37 (hg19) VCF-style: chr16-2158747-C-A.
Other names: c.6421G>T, p.Val2141Phe (NM_000296.4); short protein forms V2141F.
Identifiers: ClinVar variation 3372285 (VCV003372285.3).
Genomic context (GRCh38, chr16:2,108,746, plus strand): 5'-TCAGCACCTGCAGGGGCAGGACCACGTCCACCTCCGGCTCCCGGCAGGCCAGCACCTGGA[C>A]GGTCACCGTGGCCTGCGCCACGAAGAAGCTCACCAGGTTGGAGGCGTTCACCTGCACGCG-3'
Protein context (NP_001009944.3, residues 2131-2151): SFFVAQATVT[Val2141Phe]QVLACREPEV

ClinVar aggregate classification (germline): Conflicting classifications of pathogenicity. Review status: criteria provided, conflicting classifications (1 of 4 stars). 3 submissions from 3 submitters: Likely pathogenic (1); Uncertain significance (2). Last evaluated 2024-12-03.

Conditions:
Polycystic kidney disease, adult type (PKD1). Also called: POLYCYSTIC KIDNEY DISEASE, ADULT, TYPE I; Polycystic Kidney Disease 1, Autosomal Dominant; Polycystic kidney disease 1; Polycystic kidney disease 1, severe; Polycystic Kidney, Autosomal Dominant; POLYCYSTIC KIDNEY DISEASE 1 WITH OR WITHOUT POLYCYSTIC LIVER DISEASE. Identifiers: MedGen C3149841, MONDO:0008263, OMIM 173900.
PKD1-related disorder. Also called: PKD1-related condition.

Submissions (3):

PreventionGenetics, part of Exact Sciences
Classification: Uncertain significance for PKD1-related condition. Last evaluated: 2024-12-03. Review status: criteria provided, single submitter. Criteria: ACMG Guidelines, 2015. Collection method: clinical testing. Allele origin: germline.
Comment: The PKD1 c.6421G>T variant is predicted to result in the amino acid substitution p.Val2141Phe. This variant was reported in an individual with polycystic kidney disease (Suzuki et al. 2023. PubMed ID: 36833371). This variant has not been reported in a large population database (gnomAD), indicating this variant is rare. At this time, the clinical significance of this variant is uncertain due to the absence of conclusive functional and genetic evidence.

GeneDx
Classification: Uncertain significance. Last evaluated: 2024-04-12. Review status: criteria provided, single submitter. Criteria: GeneDx Variant Classification Process June 2021. Collection method: clinical testing. Allele origin: germline. Affected: yes.
Comment: Not observed at significant frequency in large population cohorts (gnomAD); In silico analysis supports that this missense variant has a deleterious effect on protein structure/function; This variant is associated with the following publications: (PMID: 36833371)

Fulgent Genetics
Classification: Likely pathogenic for Polycystic kidney disease, adult type. Last evaluated: 2024-03-11. Review status: criteria provided, single submitter. Criteria: ACMG Guidelines, 2015. Collection method: clinical testing. Allele origin: germline.